The following is an entry in ClinVar:

ClinVar aggregate classification (germline): not provided (0 of 4 stars; one submission).

Conditions:
Normal pregnancy. Identifiers: MedGen C0232989.

Submission:

Institute of Molecular and Cell Biology, University of Tartu
No classification provided. Condition: Normal pregnancy. Review status: no classification provided. Collection method: case-control. Allele origin: unknown. Affected: yes. Study: Kasak2014.
Comment: The study aimed to determine the contribution of copy number variants in the genetic etiology of normal and complicated pregnancies. The samples represented (i) maternal blood DNA drawn from healthy pregnant women during 1st or 2nd trimester and (ii) maternal and paternal blood DNA drawn at term pregnancy cases representing normal and complicated gestations (severe preeclampsia, PE; gestational diabetes, GD; small-for-gestational age newborn, SGA; large-for-gestational age newborn, LGA). We performed CNV calling based on genome-wide genotyping dataset (Illumina HumanOmniExpress-24-v1 BeadChip) by applying three algorithms, QuantiSNP, GADA (Genome Alteration Detection Algorithm) and CNstream in parallel. The acquired CNV calls were merged with HD-CNV (Hotspot Detector for Copy Number Variants) program and only the CNVs predicted by at least two programs, were considered in subsequent analysis.

Literature cited by the submitters: PubMed 25666259.

Single allele

Variant type: Deletion.
Identifiers: ClinVar variation 156901 (VCV000156901.2).